The following is an entry in ClinVar:

ClinVar aggregate classification (germline): Uncertain significance (1 of 4 stars; one submission).

Conditions:
Long QT syndrome (LQTS). Identifiers: MedGen C0023976, MeSH D008133, MONDO:0002442. Disease mechanism: loss of function. Inheritance: Various modes of inheritance.

Allele frequency attached by ClinVar (database versions not stated): TOPMed below 0.00001; gnomAD 0.00001; ExAC 0.00002.
gnomAD v4.1: 4 of 1,613,966 alleles (0.00025%); highest among the groups gnomAD compares: East Asian, 0.0067%; no homozygotes.

Submission:

Labcorp Genetics (formerly Invitae), Labcorp
Classification: Uncertain significance for Long QT syndrome. Last evaluated: 2020-11-11. Review status: criteria provided, single submitter. Criteria: Invitae Variant Classification Sherloc (09022015). Collection method: clinical testing. Allele origin: germline.
Comment: Algorithms developed to predict the effect of missense changes on protein structure and function are either unavailable or do not agree on the potential impact of this missense change (SIFT: "Tolerated"; PolyPhen-2: "Possibly Damaging"; Align-GVGD: "Class C0"). In summary, the available evidence is currently insufficient to determine the role of this variant in disease. Therefore, it has been classified as a Variant of Uncertain Significance. This variant has not been reported in the literature in individuals with ANK2-related conditions. This variant is present in population databases (rs774869878, ExAC 0.02%). This sequence change replaces threonine with asparagine at codon 2395 of the ANK2 protein (p.Thr2395Asn). The threonine residue is weakly conserved and there is a small physicochemical difference between threonine and asparagine.

NM_001148.6(ANK2):c.7184C>A (p.Thr2395Asn)

Genes: ANK2 (ankyrin 2; plus strand), LOC126807137 (CDK7 strongly-dependent group 2 enhancer GRCh37_chr4:114276560-114277759; plus strand). Cytogenetic location: 4q26.
Variant type: single nucleotide variant.
Coding change: c.7184C>A on transcript NM_001148.6 (MANE Select); coding-DNA position 7184, C replaced by A.
Protein change: p.Thr2395Asn; replaces threonine 2395 with asparagine.
Molecular consequence: missense variant. On other transcripts: intron variant (68).
Genome position (GRCh38, 1-based): chr4:113,355,802, C>A. VCF-style: chr4-113355802-C-A. GRCh37 (hg19) VCF-style: chr4-114276958-C-A.
Other names: c.6950C>A, p.Thr2317Asn (NM_001386142.1); c.3584C>A, p.Thr1195Asn (NM_001386166.1); c.7325C>A, p.Thr2442Asn (NM_001386174.1); c.7301C>A, p.Thr2434Asn (NM_001386175.1); c.4412-5021C>A (NM_001386186.2, NM_001386148.2); c.4214-5021C>A (NM_001354269.3); c.4292-5021C>A (NM_001386187.2); c.4253-5021C>A (NM_001386147.1); and 35 more; short protein forms T2442N, T1195N, T2395N, T2317N, T2434N.
Identifiers: ClinVar variation 1438547 (VCV001438547.8), dbSNP rs774869878, ClinGen allele CA3051553.
Genomic context (GRCh38, chr4:113,355,802, plus strand): 5'-CCTCAGACGAGACAAAGGCCTTGCCGCTGCCTGAGGCTTCTGTAAAGACAGATACAGGAA[C>A]TGAATCAAAACCTCAGGGAGTCATTAGAAGTCCCCAAGGGTTAGAACTTGCACTCCCTAG-3'
Protein context (NP_001139.3, residues 2385-2405): PEASVKTDTG[Thr2395Asn]ESKPQGVIRS